The following is an entry in ClinVar:

Single allele

Genes: LRRC69 (leucine rich repeat containing 69; plus strand), LOC129390023 (MPRA-validated peak7106 silencer; plus strand). Cytogenetic location: 8q21.3.
Variant type: Deletion.
Identifiers: ClinVar variation 157123 (VCV000157123.2).

ClinVar aggregate classification (germline): not provided (0 of 4 stars; one submission).

Conditions:
Normal pregnancy. Identifiers: MedGen C0232989.

Submission:

Institute of Molecular and Cell Biology, University of Tartu
No classification provided. Condition: Normal pregnancy. Review status: no classification provided. Collection method: case-control. Allele origin: unknown. Affected: yes. Study: Kasak2014.
Comment: The study aimed to determine the contribution of copy number variants in the genetic etiology of normal and complicated pregnancies. The samples represented (i) maternal blood DNA drawn from healthy pregnant women during 1st or 2nd trimester and (ii) maternal and paternal blood DNA drawn at term pregnancy cases representing normal and complicated gestations (severe preeclampsia, PE; gestational diabetes, GD; small-for-gestational age newborn, SGA; large-for-gestational age newborn, LGA). We performed CNV calling based on genome-wide genotyping dataset (Illumina HumanOmniExpress-24-v1 BeadChip) by applying three algorithms, QuantiSNP, GADA (Genome Alteration Detection Algorithm) and CNstream in parallel. The acquired CNV calls were merged with HD-CNV (Hotspot Detector for Copy Number Variants) program and only the CNVs predicted by at least two programs, were considered in subsequent analysis.

Literature cited by the submitters: PubMed 25666259.